The following is an entry in ClinVar:

NM_000059.4(BRCA2):c.4343A>T (p.Asn1448Ile)

Gene: BRCA2 (BRCA2 DNA repair associated; plus strand). Cytogenetic location: 13q13.1.
Variant type: single nucleotide variant.
Coding change: c.4343A>T on transcript NM_000059.4 (MANE Select); coding-DNA position 4343, A replaced by T.
Protein change: p.Asn1448Ile; replaces asparagine 1448 with isoleucine.
Molecular consequence: missense variant.
Genome position (GRCh38, 1-based): chr13:32,338,698, A>T. VCF-style: chr13-32338698-A-T. GRCh37 (hg19) VCF-style: chr13-32912835-A-T.
Other names: short protein forms N1448I.
Identifiers: ClinVar variation 418082 (VCV000418082.14), dbSNP rs762841458, ClinGen allele CA6940772.

ClinVar aggregate classification (germline): Conflicting classifications of pathogenicity. Review status: criteria provided, conflicting classifications (1 of 4 stars). 5 submissions from 5 submitters: Uncertain significance (4); Likely benign (1). Last evaluated 2023-10-31.

Conditions:
Hereditary cancer-predisposing syndrome. Also called: Hereditary neoplastic syndrome; Tumor predisposition; Neoplastic Syndromes, Hereditary; Hereditary Cancer Syndrome. Identifiers: Orphanet 140162, MedGen C0027672, MeSH D009386, MONDO:0015356.
Hereditary breast ovarian cancer syndrome. Also called: Hereditary breast and ovarian cancer; Hereditary breast and/or ovarian cancer syndrome; Hereditary breast and ovarian cancer syndrome; Hereditary breast and ovarian cancer syndrome (HBOC); Breast and ovarian cancer; BRCA1- and BRCA2-Associated Hereditary Breast and Ovarian Cancer. Identifiers: Orphanet 145, MedGen C0677776, MeSH D061325, MONDO:0003582. Disease mechanism: loss of function.

Allele frequency attached by ClinVar (database versions not stated): gnomAD exomes below 0.00001 and 0.00001; ExAC 0.00001.
gnomAD v4.1: 10 of 1,591,778 alleles (0.00063%); highest among the groups gnomAD compares: Non-Finnish European, 0.00086%; no homozygotes.

Submissions (5):

Ambry Genetics
Classification: Uncertain significance for Hereditary cancer-predisposing syndrome. Last evaluated: 2023-10-31. Review status: criteria provided, single submitter. Criteria: Ambry Variant Classification Scheme 2023. Collection method: clinical testing. Allele origin: germline.
Comment: The p.N1448I variant (also known as c.4343A>T), located in coding exon 10 of the BRCA2 gene, results from an A to T substitution at nucleotide position 4343. The asparagine at codon 1448 is replaced by isoleucine, an amino acid with dissimilar properties. This amino acid position is conserved. In addition, the in silico prediction for this alteration is inconclusive. Since supporting evidence is limited at this time, the clinical significance of this alteration remains unclear.

Color Diagnostics, LLC DBA Color Health
Classification: Uncertain significance for Hereditary cancer-predisposing syndrome. Last evaluated: 2023-09-05. Review status: criteria provided, single submitter. Criteria: ACMG Guidelines, 2015. Collection method: clinical testing. Allele origin: germline.
Comment: This missense variant replaces asparagine with isoleucine at codon 1448 of the BRCA2 protein. Computational prediction suggests that this variant may not impact protein structure and function (internally defined REVEL score threshold <= 0.5, PMID: 27666373). To our knowledge, functional studies have not been reported for this variant. This variant has not been reported in individuals affected with BRCA2-related disorders in the literature. This variant has been identified in 1/239056 chromosomes in the general population by the Genome Aggregation Database (gnomAD). The available evidence is insufficient to determine the role of this variant in disease conclusively. Therefore, this variant is classified as a Variant of Uncertain Significance.

Labcorp Genetics (formerly Invitae), Labcorp
Classification: Uncertain significance for Hereditary breast ovarian cancer syndrome. Last evaluated: 2023-06-22. Review status: criteria provided, single submitter. Criteria: Invitae Variant Classification Sherloc (09022015). Collection method: clinical testing. Allele origin: germline.
Comment: This sequence change replaces asparagine, which is neutral and polar, with isoleucine, which is neutral and non-polar, at codon 1448 of the BRCA2 protein (p.Asn1448Ile). In summary, the available evidence is currently insufficient to determine the role of this variant in disease. Therefore, it has been classified as a Variant of Uncertain Significance. Advanced modeling of protein sequence and biophysical properties (such as structural, functional, and spatial information, amino acid conservation, physicochemical variation, residue mobility, and thermodynamic stability) performed at Invitae indicates that this missense variant is not expected to disrupt BRCA2 protein function. ClinVar contains an entry for this variant (Variation ID: 418082). This variant has not been reported in the literature in individuals affected with BRCA2-related conditions. This variant is present in population databases (rs762841458, gnomAD 0.0009%).

University of Washington Department of Laboratory Medicine, University of Washington
Classification: Likely benign for Hereditary cancer-predisposing syndrome. Last evaluated: 2023-03-23. Review status: criteria provided, single submitter. Criteria: Dines et al. (Genet Med. 2020). Collection method: curation. Allele origin: germline.
Comment: Missense variant in a coldspot region where missense variants are very unlikely to be pathogenic (PMID:31911673).

BRCA2 exon 11 coldspot. Reclassification based on statistical prior probability.

GeneDx
Classification: Uncertain significance. Last evaluated: 2014-10-15. Review status: criteria provided, single submitter. Criteria: GeneDx Variant Classification (06012015). Collection method: clinical testing. Allele origin: germline. Affected: yes.
Comment: This variant is denoted BRCA2 c.4343A>T at the cDNA level, p.Asn1448Ile (N1448I) at the protein level, and results in the change of an Asparagine to an Isoleucine (AAT>ATT). This variant has not, to our knowledge, been published in the literature as pathogenic or benign. BRCA2 Asn1448Ile was not observed in approximately 6,500 individuals of European and African American ancestry in the NHLBI Exome Sequencing Project, indicating it is not a common benign variant in these populations. Since Asparagine and Isoleucine differ in polarity, charge, size or other properties, this is considered a non-conservative amino acid substitution. BRCA2 Asn1448Ile occurs at a position that is variable through vertebrates and is located in RAD51 domain (Roy 2012). In silico analyses predict that this variant is unlikely to alter protein structure or function. Based on currently available information, it is unclear whether BRCA2 Asn1448Ile is pathogenic or benign. We consider it to be a variant of uncertain significance.